The following is an entry in ClinVar:

ClinVar aggregate classification (germline): Uncertain significance (1 of 4 stars; one submission).

Submission:

GeneDx
Classification: Uncertain significance. Last evaluated: 2024-08-11. Review status: criteria provided, single submitter. Criteria: GeneDx Variant Classification Process June 2021. Collection method: clinical testing. Allele origin: germline. Affected: yes.
Comment: Not observed at significant frequency in large population cohorts (gnomAD); Frameshift variant predicted to result in abnormal protein length as the last 38 amino acids are replaced with 51 different amino acids; Has not been previously published as pathogenic or benign to our knowledge

NM_001694.4(ATP6V0C):c.352dup (p.Val118fs)

Gene: ATP6V0C (ATPase H+ transporting V0 subunit c; plus strand). Cytogenetic location: 16p13.3.
Variant type: Duplication.
Coding change: c.352dup on transcript NM_001694.4 (MANE Select); coding-DNA position 352, one base duplicated (G; older notation c.352dupG).
Protein change: p.Val118fs; shifts the reading frame from valine 118.
Molecular consequence: frameshift variant.
Genome position (GRCh38, 1-based): chr16:2,519,629, G duplicated. VCF-style (leftmost placement, unchanged base first): chr16-2519628-C-CG. GRCh37 (hg19) VCF-style: chr16-2569629-C-CG.
Other names: c.352dup, p.Val118fs (NM_001198569.2); short protein forms V118fs.
Identifiers: ClinVar variation 3731123 (VCV003731123.1).